The following is an entry in ClinVar:

NM_001291415.2(KDM6A):c.2859G>T (p.Arg953Ser)

Gene: KDM6A (lysine demethylase 6A; plus strand). Cytogenetic location: Xp11.3.
Variant type: single nucleotide variant.
Coding change: c.2859G>T on transcript NM_001291415.2 (MANE Select); coding-DNA position 2859, G replaced by T.
Protein change: p.Arg953Ser; replaces arginine 953 with serine.
Molecular consequence: missense variant. On other transcripts: non-coding transcript variant (1).
Genome position (GRCh38, 1-based): chrX:45,076,697, G>T. VCF-style: chrX-45076697-G-T. GRCh37 (hg19) VCF-style: chrX-44935942-G-T.
Other names: c.2724G>T, p.Arg908Ser (NM_001291416.2); c.2568G>T, p.Arg856Ser (NM_001291417.2); c.2466G>T, p.Arg822Ser (NM_001291418.2); c.1815G>T, p.Arg605Ser (NM_001291421.2); c.2601G>T, p.Arg867Ser (NM_001410742.1); c.2703G>T, p.Arg901Ser (NM_021140.4); short protein forms R822S, R908S, R605S, R856S, R867S, R901S, R953S.
Identifiers: ClinVar variation 2044682 (VCV002044682.4), dbSNP rs1569536949, ClinGen allele CA412798665.

ClinVar aggregate classification (germline): Uncertain significance (1 of 4 stars; one submission).

Conditions:
Kabuki syndrome 2 (KABUK2). Also called: KDM6A-Related Kabuki Syndrome. Identifiers: Orphanet 2322, MedGen C3275495, MONDO:0010465, OMIM 300867.

Allele frequency attached by ClinVar (database versions not stated): gnomAD exomes below 0.00001; gnomAD 0.00001.
gnomAD v4.1: 3 of 1,044,566 alleles (0.00029%); highest among the groups gnomAD compares: Non-Finnish European, 0.00013%; no homozygotes.

Submission:

Labcorp Genetics (formerly Invitae), Labcorp
Classification: Uncertain significance for Kabuki syndrome 2. Last evaluated: 2023-07-10. Review status: criteria provided, single submitter. Criteria: Invitae Variant Classification Sherloc (09022015). Collection method: clinical testing. Allele origin: germline.
Comment: In summary, the available evidence is currently insufficient to determine the role of this variant in disease. Therefore, it has been classified as a Variant of Uncertain Significance. An algorithm developed to predict the effect of missense changes on protein structure and function (PolyPhen-2) suggests that this variant is likely to be disruptive. ClinVar contains an entry for this variant (Variation ID: 2044682). This variant has not been reported in the literature in individuals affected with KDM6A-related conditions. The frequency data for this variant in the population databases is considered unreliable, as metrics indicate poor data quality at this position in the gnomAD database. This sequence change replaces arginine, which is basic and polar, with serine, which is neutral and polar, at codon 901 of the KDM6A protein (p.Arg901Ser).